The following is an entry in ClinVar:

ClinVar aggregate classification (germline): Likely pathogenic (1 of 4 stars; one submission).

Conditions:
Deficiency of beta-ureidopropionase (UPB1D). Also called: Beta-ureidopropionase deficiency. Identifiers: Orphanet 65287, MedGen C1291512, MONDO:0013164, OMIM 613161.

Submission:

Juno Genomics, Hangzhou Juno Genomics, Inc
Classification: Likely pathogenic for Deficiency of beta-ureidopropionase. Review status: criteria provided, single submitter. Criteria: ACMG Guidelines, 2015. Collection method: clinical testing. Allele origin: germline.
Comment: Null variant in a gene where loss of function (LOF) is a known mechanism of disease.;Absent from controls (or at extremely low frequency if recessive) in Genome Aggregation Database.

NM_016327.3(UPB1):c.522_534del (p.Asp175fs)

Gene: UPB1 (beta-ureidopropionase 1; plus strand). Cytogenetic location: 22q11.23.
Variant type: Deletion.
Coding change: c.522_534del on transcript NM_016327.3 (MANE Select); coding-DNA positions 522 to 534, 13 bases deleted (GGATGTTTTGTGG).
Protein change: p.Asp175fs; shifts the reading frame from aspartic acid 175.
Molecular consequence: frameshift variant.
Genome position (GRCh38, 1-based): chr22:24,513,386-24,513,398, GGATGTTTTGTGG deleted; deleting any 13 consecutive bases within chr22:24,513,383-24,513,398 gives the same sequence; the c. name uses the placement nearest the transcript's 3' end. VCF-style (leftmost placement, unchanged base first): chr22-24513382-ATGGGGATGTTTTG-A. GRCh37 (hg19) VCF-style: chr22-24909350-ATGGGGATGTTTTG-A.
Other names: short protein forms D175fs.
Identifiers: ClinVar variation 5006468 (VCV005006468.2).